The following is an entry in ClinVar:

ClinVar aggregate classification (germline): Likely benign (1 of 4 stars; one submission).

gnomAD v4.1: 699 of 1,596,708 alleles (0.044%); highest among the groups gnomAD compares: Non-Finnish European, 0.057%; 1 homozygote.

Submission:

Mayo Clinic Laboratories, Mayo Clinic
Classification: Likely benign. Last evaluated: 2025-08-08. Review status: criteria provided, single submitter. Criteria: ACMG Guidelines, 2015. Collection method: clinical testing. Allele origin: germline. Observed: 1 variant allele.
Comment: BP4, BP7

NM_001360.3(DHCR7):c.-6-22A>G

Gene: DHCR7 (7-dehydrocholesterol reductase; minus strand). Cytogenetic location: 11q13.4.
Variant type: single nucleotide variant.
Coding change: c.-6-22A>G on transcript NM_001360.3 (MANE Select); 22 bases into the intron before 6 bases upstream of the start codon, A replaced by G.
Molecular consequence: intron variant.
Genome position (GRCh38, 1-based): chr11:71,444,980, T>C on the plus strand (A>G on the coding strand, the complement: DHCR7 is on the minus strand). VCF-style: chr11-71444980-T-C. GRCh37 (hg19) VCF-style: chr11-71156026-T-C.
Other names: c.-6-22A>G (NM_001425112.1, NM_001425119.1, NM_001425107.1 and 11 more transcripts); c.-251-22A>G (NM_001425117.1).
Identifiers: ClinVar variation 4683650 (VCV004683650.1).